The following continues an entry in ClinVar:

NM_000070.3(CAPN3):c.1343G>A (p.Arg448His)

Gene: CAPN3. ClinVar aggregate classification (germline): Pathogenic. Pathogenic (1).

Submissions 9 to 14 of 14:

Broad Center for Mendelian Genomics, Broad Institute of MIT and Harvard
Classification: Pathogenic for Autosomal recessive limb-girdle muscular dystrophy type 2A. Last evaluated: 2018-12-03. Review status: criteria provided, single submitter. Criteria: ACMG Guidelines, 2015. Collection method: research. Allele origin: germline. Inheritance: Autosomal recessive inheritance. Affected: yes. Not counted in ClinVar's aggregate classification.
Comment: The homozygous p.Arg448His variant in CAPN3 was identified by our study in three siblings with Limb-Girdle Muscular Dystrophy. This variant has been identified in 0.001303% (3/230304) of chromosomes by the Genome Aggregation Database (gnomAD; dbSNP rs863224956). Although this variant has been seen in the general population, its frequency is low enough to be consistent with a recessive carrier frequency. Computational prediction tools and conservation analyses suggest that this variant may impact the protein, though this information is not predictive enough to determine pathogenicity. This variant impacts the same residue as the pathogenic p.Arg448Cys variant, supporting the possibility that a missense mutation at this position may not be tolerated (ClinVar Variation ID: 280038). This variant was reported in the compound heterozygous state in 3 individuals with Limb-Girdle Muscular Dystrophy, but no information on other variants in those individuals was available (PMID: 16141003, 10330340). Animal models in mice have shown that this variant causes Limb-Girdle Muscular Dystrophy with evidence of increased protein degredation and decreasing binding to titin (PMID: 21624972, 11371436). This variant has also been reported in ClinVar (Variation ID: 217149). In summary, this variant is pathogenic. ACMG/AMP Criteria applied: PM2, PM5, PS3, PP1, PP3, PM3_Supporting (Richards 2015).

Eurofins Ntd Llc (ga)
Classification: Pathogenic. Last evaluated: 2016-11-01. Review status: criteria provided, single submitter. Criteria: EGL Classification Definitions 2015. Collection method: clinical testing. Allele origin: germline. Observed: 1 variant allele, 1 heterozygote. Not counted in ClinVar's aggregate classification.

Athena Diagnostics
Classification: Pathogenic. Last evaluated: 2014-12-30. Review status: criteria provided, single submitter. Criteria: Athena Diagnostics Criteria. Collection method: clinical testing. Allele origin: germline. Not counted in ClinVar's aggregate classification.

Kasturba Medical College, Manipal, Kasturba Medical College, Manipal, Manipal Academy of Higher Education, Manipal, India
Classification: Pathogenic for Autosomal recessive limb-girdle muscular dystrophy type 2A. Review status: criteria provided, single submitter. Criteria: ACMG Guidelines, 2015. Collection method: clinical testing. Allele origin: inherited. Affected: yes. Not counted in ClinVar's aggregate classification.

Neuberg Centre For Genomic Medicine, NCGM
Classification: Pathogenic for Autosomal recessive limb-girdle muscular dystrophy type 2A. Review status: criteria provided, single submitter. Criteria: ACMG Guidelines, 2015. Collection method: clinical testing. Allele origin: germline. Inheritance: Autosomal recessive inheritance. Affected: yes. Not counted in ClinVar's aggregate classification.
Comment: The observed missense c.1343G>A(p.Arg448His) variant in CAPN3 gene has been reported in homozygous and compound heterozygous state in individuals affected with CAPN3 related disorder (Piluso G, et. al., 2005; Cerino M, et. al., 2020; Ganaraja VH, et. al., 2021). Experimental studies have shown that this missense change affects CAPN3 function (Ermolova N, et. al., 2011). This p.Arg448His variant is present with an allele frequency of 0.001% in gnomAD Exomes. This variant has been reported to the ClinVar database as Likely pathogenic/ Pathogenic (multiple submissions). The amino acid change p.Arg448His in CAPN3 is predicted as conserved by GERP++ and PhyloP across 100 vertebrates. The amino acid Arg at position 448 is changed to a His changing protein sequence and it might alter its composition and physico-chemical properties. For these reasons, this variant has been classified as Pathogenic

Counsyl
Classification: Likely pathogenic for Autosomal recessive limb-girdle muscular dystrophy type 2A. Last evaluated: 2017-12-21. Review status: no assertion criteria provided. Collection method: clinical testing. Allele origin: unknown. Not counted in ClinVar's aggregate classification.

Literature cited by the submitters: PubMed 20635405 (cited by Labcorp Genetics (formerly Invitae), Labcorp and Athena Diagnostics); PubMed 25135358 (cited by 4 submitters); PubMed 30919934 (cited by Labcorp Genetics (formerly Invitae), Labcorp and Women's Health and Genetics/Laboratory Corporation of America, LabCorp); PubMed 15138196 (cited by 3 submitters); PubMed 21624972 (cited by 5 submitters); PubMed 7318636 (cited by Labcorp Genetics (formerly Invitae), Labcorp); PubMed 10330340 (cited by 4 submitters); PubMed 16141003 (cited by 3 submitters); PubMed 16650086 (cited by Labcorp Genetics (formerly Invitae), Labcorp); PubMed 18854869 (cited by 4 submitters); PubMed 26404900 (cited by Labcorp Genetics (formerly Invitae), Labcorp); PubMed 27447704 (cited by Labcorp Genetics (formerly Invitae), Labcorp); PubMed 11371436 (cited by 3 submitters); PubMed 9150160 (cited by Athena Diagnostics); PubMed 25215589 (cited by Athena Diagnostics); PubMed 10102422 (cited by Athena Diagnostics); PubMed 15221789 (cited by Athena Diagnostics).